The following is an entry in ClinVar:

NM_004560.4(ROR2):c.323G>A (p.Arg108Gln)

Gene: ROR2 (receptor tyrosine kinase like orphan receptor 2; minus strand). Cytogenetic location: 9q22.31.
Variant type: single nucleotide variant.
Coding change: c.323G>A on transcript NM_004560.4 (MANE Select); coding-DNA position 323, G replaced by A.
Protein change: p.Arg108Gln; replaces arginine 108 with glutamine.
Molecular consequence: missense variant.
Genome position (GRCh38, 1-based): chr9:91,757,412, C>T on the plus strand (G>A on the coding strand, the complement: ROR2 is on the minus strand). VCF-style: chr9-91757412-C-T. GRCh37 (hg19) VCF-style: chr9-94519694-C-T.
Other names: c.323G>A, p.Arg108Gln (NM_001318204.2); short protein forms R108Q.
Identifiers: ClinVar variation 627539 (VCV000627539.4), dbSNP rs1587690611, ClinGen allele CA373840721.

ClinVar aggregate classification (germline): Likely pathogenic. Review status: criteria provided, single submitter (1 of 4 stars). 2 submissions from 2 submitters: Likely pathogenic (1). 1 of the submissions does not count toward it.

Conditions:
Autosomal recessive Robinow syndrome (RRS1). Also called: ROR2-Related Robinow Syndrome; COSTOVERTEBRAL SEGMENTATION DEFECT WITH MESOMELIA; COVESDEM SYNDROME; ROBINOW SYNDROME, AUTOSOMAL RECESSIVE 1. Identifiers: Orphanet 1507, Orphanet 97360, MedGen C5399974, MONDO:0009999, OMIM 268310.

Submissions (2):

Department of Medical Genetics, Sanjay Gandhi Post Graduate Institute of Medical Sciences
Classification: Likely pathogenic for Autosomal recessive Robinow syndrome. Review status: criteria provided, single submitter. Criteria: ACMG Guidelines, 2015. Collection method: clinical testing. Allele origin: inherited. Inheritance: Autosomal recessive inheritance. Affected: yes. Observed: 1 homozygote.
Comment: Sanger sequencing showed a novel homozygous missense sequence variant in ROR2 gene. It is predicted as pathogenic by MutationTaster. This variant is classified as likely pathogenic which shows strong evidence of pathogenicity according to ACMG guidelines (Richards et al., 2015). This variant is not found in ExAC and 1000G databases.

Lupski Lab, Baylor-Hopkins CMG, Baylor College of Medicine
Classification: Likely pathogenic for Autosomal recessive Robinow syndrome. Review status: no assertion criteria provided. Collection method: research. Allele origin: unknown. Affected: yes. Observed: 2 variant alleles. Not counted in ClinVar's aggregate classification.